The following is an entry in ClinVar:

ClinVar aggregate classification (germline): Likely benign (0 of 4 stars; one submission).

Conditions:
TNK2-related disorder. Also called: TNK2-related condition.

Allele frequency attached by ClinVar (database versions not stated): ExAC 0.00033; 1000 Genomes Project 30x 0.00047; 1000 Genomes Project 0.00060.
gnomAD v4.1: 295 of 1,535,318 alleles (0.019%); highest among the groups gnomAD compares: African/African-American, 0.22%; no homozygotes.

Submission:

PreventionGenetics, part of Exact Sciences
Classification: Likely benign for TNK2-related condition. Last evaluated: 2022-03-13. Review status: no assertion criteria provided. Collection method: clinical testing. Allele origin: germline.
Comment: This variant is classified as likely benign based on ACMG/AMP sequence variant interpretation guidelines (Richards et al. 2015 PMID: 25741868, with internal and published modifications).

NM_001382273.1(TNK2):c.-18-3821G>A

Gene: TNK2 (tyrosine kinase non receptor 2; minus strand). Cytogenetic location: 3q29.
Variant type: single nucleotide variant.
Coding change: c.-18-3821G>A on transcript NM_001382273.1 (MANE Select); 3821 bases into the intron before 18 bases upstream of the start codon, G replaced by A.
Molecular consequence: intron variant. On other transcripts: missense variant (4), non-coding transcript variant (5).
Genome position (GRCh38, 1-based): chr3:195,892,427, C>T on the plus strand (G>A on the coding strand, the complement: TNK2 is on the minus strand). VCF-style: chr3-195892427-C-T. GRCh37 (hg19) VCF-style: chr3-195619298-C-T.
Other names: c.62G>A, p.Arg21Gln (NM_001308046.2, NM_001382271.1, NM_001382275.1 and 1 more transcripts); c.-18-3821G>A (NM_001387720.1, NM_005781.5, NM_001386164.1 and 3 more transcripts); c.-19+3626G>A (NM_001387721.1, NM_001387710.1); c.-19+3468G>A (NM_001387719.1, NM_001387713.1, NM_001387712.1 and 2 more transcripts); c.54+2819G>A (NM_001387715.1, NM_001387708.1, NM_001010938.2 and 1 more transcripts); c.-19+2179G>A (NM_001387709.1, NM_001387716.1); short protein forms R21Q.
Identifiers: ClinVar variation 3045279 (VCV003045279.2), dbSNP rs544738012, ClinGen allele CA2777075.